The following is an entry in ClinVar:

NM_016938.5(EFEMP2):c.79C>T (p.Pro27Ser)

Gene: EFEMP2 (EGF-like fibulin extracellular matrix protein 2; minus strand). Cytogenetic location: 11q13.1.
Variant type: single nucleotide variant.
Coding change: c.79C>T on transcript NM_016938.5 (MANE Select); coding-DNA position 79, C replaced by T.
Protein change: p.Pro27Ser; replaces proline 27 with serine.
Molecular consequence: missense variant. On other transcripts: non-coding transcript variant (1).
Genome position (GRCh38, 1-based): chr11:65,872,276, G>A on the plus strand (C>T on the coding strand, the complement: EFEMP2 is on the minus strand). VCF-style: chr11-65872276-G-A. GRCh37 (hg19) VCF-style: chr11-65639747-G-A.
Other names: short protein forms P27S.
Identifiers: ClinVar variation 4826108 (VCV004826108.1).
Genomic context (GRCh38, chr11:65,872,276, plus strand): 5'-CCAGGCCAGCGGCCCTCACTGTCCCCACCGTGTAGCTGTCGGGCTCTTCAGAATCCTGAG[G>A]AGAAGCTGATCCCAAGAGCAACAGTAGCAGCGCCCAGAGCAGTAGAGACCCGGGTAGGCA-3'
Protein context (NP_058634.4, residues 17-37): LLLLLLGSAS[Pro27Ser]QDSEEPDSYT

ClinVar aggregate classification (germline): Uncertain significance (1 of 4 stars; one submission).

Conditions:
Cardiovascular phenotype. Identifiers: MedGen CN230736.

gnomAD v4.1: 6 of 1,551,676 alleles (0.00039%); highest among the groups gnomAD compares: Non-Finnish European, 0.00026%; no homozygotes.

Submission:

Ambry Genetics
Classification: Uncertain significance for Cardiovascular phenotype. Last evaluated: 2026-03-07. Review status: criteria provided, single submitter. Criteria: Ambry Variant Classification Scheme 2023. Collection method: clinical testing. Allele origin: germline.
Comment: The p.P27S variant (also known as c.79C>T), located in coding exon 1 of the EFEMP2 gene, results from a C to T substitution at nucleotide position 79. The proline at codon 27 is replaced by serine, an amino acid with similar properties. This amino acid position is conserved. In addition, this alteration is predicted to be tolerated by in silico analysis. Based on the available evidence, the clinical significance of this variant remains unclear.